The following is an entry in ClinVar:

NM_006031.6(PCNT):c.7851G>C (p.Arg2617Ser)

Gene: PCNT (pericentrin; plus strand). Cytogenetic location: 21q22.3.
Variant type: single nucleotide variant.
Coding change: c.7851G>C on transcript NM_006031.6 (MANE Select); coding-DNA position 7851, G replaced by C.
Protein change: p.Arg2617Ser; replaces arginine 2617 with serine.
Molecular consequence: missense variant.
Genome position (GRCh38, 1-based): chr21:46,430,170, G>C. VCF-style: chr21-46430170-G-C. GRCh37 (hg19) VCF-style: chr21-47850084-G-C.
Other names: c.7497G>C, p.Arg2499Ser (NM_001315529.2); short protein forms R2499S, R2617S.
Identifiers: ClinVar variation 3344513 (VCV003344513.1).

ClinVar aggregate classification (germline): Uncertain significance (0 of 4 stars; one submission).

Conditions:
PCNT-related disorder. Also called: PCNT-related condition.

Submission:

PreventionGenetics, part of Exact Sciences
Classification: Uncertain significance for PCNT-related condition. Last evaluated: 2024-09-01. Review status: no assertion criteria provided. Collection method: clinical testing. Allele origin: germline.
Comment: The PCNT c.7851G>C variant is predicted to result in the amino acid substitution p.Arg2617Ser. To our knowledge, this variant has not been reported in the literature or in a large population database, indicating this variant is rare. At this time, the clinical significance of this variant is uncertain due to the absence of conclusive functional and genetic evidence.